The following is an entry in ClinVar:

NM_173842.3(IL1RN):c.220G>A (p.Val74Ile)

Gene: IL1RN (interleukin 1 receptor antagonist; plus strand). Cytogenetic location: 2q14.1.
Variant type: single nucleotide variant.
Coding change: c.220G>A on transcript NM_173842.3 (MANE Select); coding-DNA position 220, G replaced by A.
Protein change: p.Val74Ile; replaces valine 74 with isoleucine.
Molecular consequence: missense variant.
Genome position (GRCh38, 1-based): chr2:113,131,059, G>A. VCF-style: chr2-113131059-G-A. GRCh37 (hg19) VCF-style: chr2-113888636-G-A.
Other names: c.166G>A, p.Val56Ile (NM_000577.5); c.118G>A, p.Val40Ile (NM_001318914.2, NM_001379360.1, NM_173843.3); c.229G>A, p.Val77Ile (NM_173841.3); short protein forms V56I, V74I, V40I, V77I.
Identifiers: ClinVar variation 958251 (VCV000958251.9), dbSNP rs775303057, ClinGen allele CA1838834.
Genomic context (GRCh38, chr2:113,131,059, plus strand): 5'-TGCTTCCTCTTCTATTAACCTGACCCTCCCCTCTGTTCTTCCCCAGAAAAGATAGATGTG[G>A]TACCCATTGAGCCTCATGCTCTGTTCTTGGGAATCCATGGAGGGAAGATGTGCCTGTCCT-3'
Protein context (NP_776214.1, residues 64-84): NVNLEEKIDV[Val74Ile]PIEPHALFLG

ClinVar aggregate classification (germline): Uncertain significance (1 of 4 stars; one submission).

Conditions:
Sterile multifocal osteomyelitis with periostitis and pustulosis. Also called: CHRONIC RECURRENT MULTIFOCAL OSTEOMYELITIS 2, WITH PERIOSTITIS AND PUSTULOSIS. Identifiers: Orphanet 210115, MedGen C2748507, MONDO:0013021, OMIM 612852.

Allele frequency attached by ClinVar (database versions not stated): gnomAD exomes below 0.00001; ExAC 0.00001.

Submission:

Labcorp Genetics (formerly Invitae), Labcorp
Classification: Uncertain significance for Sterile multifocal osteomyelitis with periostitis and pustulosis. Last evaluated: 2019-10-16. Review status: criteria provided, single submitter. Criteria: Invitae Variant Classification Sherloc (09022015). Collection method: clinical testing. Allele origin: germline.
Comment: This variant is present in population databases (rs775303057, ExAC 0.01%). This sequence change replaces valine with isoleucine at codon 77 of the IL1RN protein (p.Val77Ile). The valine residue is highly conserved and there is a small physicochemical difference between valine and isoleucine. This variant has not been reported in the literature in individuals with IL1RN-related conditions. In summary, the available evidence is currently insufficient to determine the role of this variant in disease. Therefore, it has been classified as a Variant of Uncertain Significance. Algorithms developed to predict the effect of missense changes on protein structure and function output the following: SIFT: "Deleterious"; PolyPhen-2: "Benign"; Align-GVGD: "Class C25". The isoleucine amino acid residue is found in multiple mammalian species, suggesting that this missense change does not adversely affect protein function. These predictions have not been confirmed by published functional studies and their clinical significance is uncertain.